The following is an entry in ClinVar:

NM_002303.6(LEPR):c.854A>C (p.Asp285Ala)

Gene: LEPR (leptin receptor; plus strand). Cytogenetic location: 1p31.3.
Variant type: single nucleotide variant.
Coding change: c.854A>C on transcript NM_002303.6 (MANE Select); coding-DNA position 854, A replaced by C.
Protein change: p.Asp285Ala; replaces aspartic acid 285 with alanine.
Molecular consequence: missense variant.
Genome position (GRCh38, 1-based): chr1:65,598,664, A>C. VCF-style: chr1-65598664-A-C. GRCh37 (hg19) VCF-style: chr1-66064347-A-C.
Other names: c.854A>C, p.Asp285Ala (NM_001003679.3, NM_001003680.3, NM_001198687.2 and 2 more transcripts); short protein forms D285A.
Identifiers: ClinVar variation 4997183 (VCV004997183.1).

ClinVar aggregate classification (germline): Uncertain significance (1 of 4 stars; one submission).

Conditions:
LEPR-related disorder. Also called: LEPR-related disorders; LEPR-related condition.

Submission:

PreventionGenetics, part of Exact Sciences
Classification: Uncertain significance for LEPR-related condition. Last evaluated: 2024-12-12. Review status: criteria provided, single submitter. Criteria: ACMG Guidelines, 2015. Collection method: clinical testing. Allele origin: germline.
Comment: The LEPR c.854A>C variant is predicted to result in the amino acid substitution p.Asp285Ala. To our knowledge, this variant has not been reported in the literature or in a large population database (gnomAD), indicating it is rare. At this time, the clinical significance of this variant is uncertain due to the absence of conclusive functional and genetic evidence.